The following is an entry in ClinVar:

NM_014319.5(LEMD3):c.2032C>T (p.Arg678Ter)

Gene: LEMD3 (LEM domain containing 3; plus strand). Cytogenetic location: 12q14.3.
Variant type: single nucleotide variant.
Coding change: c.2032C>T on transcript NM_014319.5 (MANE Select); coding-DNA position 2032, C replaced by T.
Protein change: p.Arg678Ter; replaces arginine 678 with a stop codon.
Molecular consequence: nonsense.
Genome position (GRCh38, 1-based): chr12:65,240,144, C>T. VCF-style: chr12-65240144-C-T. GRCh37 (hg19) VCF-style: chr12-65633924-C-T.
Other names: c.2029C>T, p.Arg677Ter (NM_001167614.2); short protein forms R677*, R678*.
Identifiers: ClinVar variation 1677940 (VCV001677940.2), dbSNP rs2136354792, ClinGen allele CA385672183.

ClinVar aggregate classification (germline): Pathogenic/Likely pathogenic. Review status: criteria provided, multiple submitters, no conflicts (2 of 4 stars). 2 submissions from 2 submitters: Pathogenic (1); Likely pathogenic (1). Last evaluated 2025-05-12.

Conditions:
Dermatofibrosis lenticularis disseminata (BOS). Also called: OSTEOPATHIA CONDENSANS DISSEMINATA; DERMATOFIBROSIS LENTICULARIS DISSEMINATA WITH OSTEOPOIKILOSIS; DERMATOOSTEOPOIKILOSIS. Identifiers: Orphanet 1306, MedGen C0265514, MONDO:0008157, OMIM 166700.

Allele frequency attached by ClinVar (database versions not stated): gnomAD exomes below 0.00001.
gnomAD v4.1: 2 of 1,611,802 alleles (0.00012%); highest among the groups gnomAD compares: South Asian, 0.0011%; no homozygotes.

Submissions (2):

Clinical Biomedical Laboratory, Shriners Hospital For Children - Canada
Classification: Pathogenic for Dermatofibrosis lenticularis disseminata. Last evaluated: 2025-05-12. Review status: criteria provided, single submitter. Criteria: ACMG Guidelines, 2015. Collection method: clinical testing. Allele origin: germline. Affected: yes.
Comment: This variant introduces a premature stop codon and leads to loss of function of the affected allele. Loss of function variants in LEMD3 are an established cause of osteopoikilosis (PMID 26694706). This variant is absent from the Genome Aggregation Database (v2.1.1). This variant has been reported in the literature (PMID 17622481).

AiLife Diagnostics
Classification: Likely pathogenic. Last evaluated: 2021-07-12. Review status: criteria provided, single submitter. Criteria: ACMG Guidelines, 2015. Collection method: clinical testing. Allele origin: germline. Affected: yes. Observed: 1 variant allele.

Literature cited by the submitters: PubMed 17622481 (cited by Clinical Biomedical Laboratory, Shriners Hospital For Children - Canada and AiLife Diagnostics); PubMed 26694706 (cited by Clinical Biomedical Laboratory, Shriners Hospital For Children - Canada).